The following is an entry in ClinVar:

ClinVar aggregate classification (germline): Pathogenic/Likely pathogenic. Review status: criteria provided, multiple submitters, no conflicts (2 of 4 stars). 2 submissions from 2 submitters: Pathogenic (1); Likely pathogenic (1). Last evaluated 2025-10-14.

Conditions:
Hyperornithinemia-hyperammonemia-homocitrullinuria syndrome (HHHS). Also called: Ornithine translocase deficiency; HHH SYNDROME. Identifiers: Orphanet 415, MedGen C0268540, MONDO:0009393, OMIM 238970.

Allele frequency attached by ClinVar (database versions not stated): gnomAD exomes 0.00001.
gnomAD v4.1: 11 of 1,613,936 alleles (0.00068%); highest among the groups gnomAD compares: Non-Finnish European, 0.00093%; no homozygotes.

Submissions (2):

Natera, Inc.
Classification: Likely pathogenic for Hyperornithinemia-hyperammonemia-homocitrullinuria syndrome. Last evaluated: 2025-10-14. Review status: criteria provided, single submitter. Criteria: Natera Variant Classification Schema (03/2026). Collection method: clinical testing. Allele origin: germline.
Comment: The c.514G>T variant in SLC25A15 is a nonsense variant predicted to introduce a stop codon at amino acid 172. This variant is expected to result in nonsense mediated decay, truncation, or a dysfunctional protein product. This variant is rare in the general population with a frequency below the threshold expected for the associated phenotype(s). Given the available evidence, this variant is classified as Likely Pathogenic.

Labcorp Genetics (formerly Invitae), Labcorp
Classification: Pathogenic for Hyperornithinemia-hyperammonemia-homocitrullinuria syndrome. Last evaluated: 2023-12-17. Review status: criteria provided, single submitter. Criteria: Invitae Variant Classification Sherloc (09022015). Collection method: clinical testing. Allele origin: germline.
Comment: This sequence change creates a premature translational stop signal (p.Gly172*) in the SLC25A15 gene. It is expected to result in an absent or disrupted protein product. Loss-of-function variants in SLC25A15 are known to be pathogenic (PMID: 11552031, 19242930). This variant is present in population databases (no rsID available, gnomAD 0.0009%). This variant has not been reported in the literature in individuals affected with SLC25A15-related conditions. ClinVar contains an entry for this variant (Variation ID: 656435). Algorithms developed to predict the effect of sequence changes on RNA splicing suggest that this variant may disrupt the consensus splice site. For these reasons, this variant has been classified as Pathogenic.

Literature cited by the submitters: PubMed 11552031 (cited by Labcorp Genetics (formerly Invitae), Labcorp); PubMed 19242930 (cited by Labcorp Genetics (formerly Invitae), Labcorp).

NM_014252.4(SLC25A15):c.514G>T (p.Gly172Ter)

Gene: SLC25A15 (solute carrier family 25 member 15; plus strand). Cytogenetic location: 13q14.11.
Variant type: single nucleotide variant.
Coding change: c.514G>T on transcript NM_014252.4 (MANE Select); coding-DNA position 514, G replaced by T.
Protein change: p.Gly172Ter; replaces glycine 172 with a stop codon.
Molecular consequence: nonsense.
Genome position (GRCh38, 1-based): chr13:40,807,355, G>T. VCF-style: chr13-40807355-G-T. GRCh37 (hg19) VCF-style: chr13-41381491-G-T.
Other names: short protein forms G172*.
Identifiers: ClinVar variation 656435 (VCV000656435.10), dbSNP rs1480063127, ClinGen allele CA387918238.
Genomic context (GRCh38, chr13:40,807,355, plus strand): 5'-ACAGTGTGGTCTGTCATCAAAAGTATTCTTAGGAAAGATGGCCCCTTGGGGTTCTACCAT[G>T]GACTCTCAAGCACTTTACTTCGAGAAGTACCAGGCTATTTCTTCTTCTTCGGTGGCTATG-3'